The following is an entry in ClinVar:

ClinVar aggregate classification (germline): Pathogenic/Likely pathogenic. Review status: criteria provided, multiple submitters, no conflicts (2 of 4 stars). 2 submissions from 2 submitters: Pathogenic (1); Likely pathogenic (1). Last evaluated 2023-10-25.

Conditions:
Primary ciliary dyskinesia. Also called: Ciliary dyskinesia. Identifiers: Orphanet 244, MedGen C0008780, MONDO:0016575, HP:0012265.

Allele frequency attached by ClinVar (database versions not stated): gnomAD exomes below 0.00001; TOPMed below 0.00001; ExAC 0.00001.
gnomAD v4.1: 1 of 1,613,656 alleles (0.000062%); highest among the groups gnomAD compares: Non-Finnish European, 0.000085%; no homozygotes.

Submissions (2):

Labcorp Genetics (formerly Invitae), Labcorp
Classification: Pathogenic for Primary ciliary dyskinesia. Last evaluated: 2023-10-25. Review status: criteria provided, single submitter. Criteria: Invitae Variant Classification Sherloc (09022015). Collection method: clinical testing. Allele origin: germline.
Comment: This sequence change affects an acceptor splice site in intron 19 of the DNAH5 gene. It is expected to disrupt RNA splicing. Variants that disrupt the donor or acceptor splice site typically lead to a loss of protein function (PMID: 16199547), and loss-of-function variants in DNAH5 are known to be pathogenic (PMID: 11788826, 16627867). This variant is not present in population databases (gnomAD no frequency). Disruption of this splice site has been observed in individual(s) with primary ciliary dyskinesia (Invitae). ClinVar contains an entry for this variant (Variation ID: 578086). Algorithms developed to predict the effect of sequence changes on RNA splicing suggest that this variant may disrupt the consensus splice site. For these reasons, this variant has been classified as Pathogenic.

AiLife Diagnostics
Classification: Likely pathogenic. Last evaluated: 2020-12-03. Review status: criteria provided, single submitter. Criteria: ACMG Guidelines, 2015. Collection method: clinical testing. Allele origin: germline. Affected: yes. Observed: 1 variant allele.

Literature cited by the submitters: PubMed 16199547 (cited by Labcorp Genetics (formerly Invitae), Labcorp); PubMed 11788826 (cited by Labcorp Genetics (formerly Invitae), Labcorp); PubMed 16627867 (cited by Labcorp Genetics (formerly Invitae), Labcorp).

NM_001369.3(DNAH5):c.2984-2A>C

Genes: DNAH5 (dynein axonemal heavy chain 5; minus strand), DNAH5-AS1 (DNAH5 antisense RNA 1; plus strand). Cytogenetic location: 5p15.2.
Variant type: single nucleotide variant.
Coding change: c.2984-2A>C on transcript NM_001369.3 (MANE Select); the canonical splice acceptor site of the intron before coding-DNA position 2984, A replaced by C.
Molecular consequence: splice acceptor variant.
Genome position (GRCh38, 1-based): chr5:13,883,096, T>G on the plus strand (A>C on the coding strand, the complement: DNAH5 is on the minus strand). VCF-style: chr5-13883096-T-G. GRCh37 (hg19) VCF-style: chr5-13883205-T-G.
Identifiers: ClinVar variation 578086 (VCV000578086.10), dbSNP rs757801770, ClinGen allele CA3204426.
Genomic context (GRCh38, chr5:13,883,096, plus strand): 5'-GACGCTTGCCCGGAAAATGGGCAAACTGTTCTGCTTCATGTTAGAGGCACTGTTACTGTC[T>G]GAGTTAACCCAAAACAAGGAAGAATTCACATTTTTAATACAAAATAAGATTTGCTTCCTT-3'